The following is an entry in ClinVar:

ClinVar aggregate classification (germline): Uncertain significance (1 of 4 stars; one submission).

Submission:

GeneDx
Classification: Uncertain significance. Last evaluated: 2026-03-24. Review status: criteria provided, single submitter. Criteria: GeneDx Variant Classification Process June 2021. Collection method: clinical testing. Allele origin: germline.
Comment: Not observed at significant frequency in large population cohorts (gnomAD); In silico analysis supports that this missense variant has a deleterious effect on protein structure/function; Has not been previously published as pathogenic or benign to our knowledge

NM_001291415.2(KDM6A):c.1508G>T (p.Gly503Val)

Gene: KDM6A (lysine demethylase 6A; plus strand). Cytogenetic location: Xp11.3.
Variant type: single nucleotide variant.
Coding change: c.1508G>T on transcript NM_001291415.2 (MANE Select); coding-DNA position 1508, G replaced by T.
Protein change: p.Gly503Val; replaces glycine 503 with valine.
Molecular consequence: missense variant. On other transcripts: non-coding transcript variant (1).
Genome position (GRCh38, 1-based): chrX:45,061,346, G>T. VCF-style: chrX-45061346-G-T. GRCh37 (hg19) VCF-style: chrX-44920591-G-T.
Other names: c.1373G>T, p.Gly458Val (NM_001291416.2, NM_001419811.1); c.1217G>T, p.Gly406Val (NM_001291417.2, NM_001291418.2, NM_001419815.1); c.464G>T, p.Gly155Val (NM_001291421.2); c.1352G>T, p.Gly451Val (NM_001410742.1, NM_001419812.1, NM_001419814.1 and 1 more transcripts); c.1508G>T, p.Gly503Val (NM_001419809.1, NM_001419810.1, NM_001419813.1); short protein forms G155V, G406V, G451V, G458V, G503V.
Identifiers: ClinVar variation 5016737 (VCV005016737.1).